The following is an entry in ClinVar:

NM_000937.5(POLR2A):c.960T>C (p.Asn320=)

Gene: POLR2A (RNA polymerase II subunit A; plus strand). Cytogenetic location: 17p13.1.
Variant type: single nucleotide variant.
Coding change: c.960T>C on transcript NM_000937.5 (MANE Select); coding-DNA position 960, T replaced by C.
Protein change: p.Asn320=; no amino-acid change (asparagine 320 retained).
Molecular consequence: synonymous variant.
Genome position (GRCh38, 1-based): chr17:7,497,496, T>C. VCF-style: chr17-7497496-T-C. GRCh37 (hg19) VCF-style: chr17-7400815-T-C.
Identifiers: ClinVar variation 1227670 (VCV001227670.6), dbSNP rs2228128, ClinGen allele CA8349308.

ClinVar aggregate classification (germline): Benign. Review status: criteria provided, multiple submitters, no conflicts (2 of 4 stars). 3 submissions from 3 submitters: Benign (2). 1 of the submissions does not count toward it. Last evaluated 2020-10-06.

Conditions:
POLR2A-related disorder. Also called: POLR2A-related condition.

Allele frequency attached by ClinVar (database versions not stated): 1000 Genomes Project 30x 0.11399; 1000 Genomes Project 0.11761; TOPMed 0.18535; ExAC 0.19900; gnomAD exomes 0.19926; gnomAD 0.19942 and 0.20409; ESP Exome Variant Server 0.21590.

Submissions (3):

GeneDx
Classification: Benign. Last evaluated: 2020-10-06. Review status: criteria provided, single submitter. Criteria: GeneDx Variant Classification Process June 2021. Collection method: clinical testing. Allele origin: germline. Affected: yes.

Breakthrough Genomics
Classification: Benign. Review status: criteria provided, single submitter. Criteria: ACMG Guidelines, 2015. Collection method: not provided. Allele origin: germline. Inheritance: Autosomal dominant inheritance. Affected: yes.

PreventionGenetics, part of Exact Sciences
Classification: Benign for POLR2A-related condition. Last evaluated: 2019-11-05. Review status: no assertion criteria provided. Collection method: clinical testing. Allele origin: germline. Not counted in ClinVar's aggregate classification.
Comment: This variant is classified as benign based on ACMG/AMP sequence variant interpretation guidelines (Richards et al. 2015 PMID: 25741868, with internal and published modifications).